The following is an entry in ClinVar:

ClinVar aggregate classification (germline): Conflicting classifications of pathogenicity. Review status: criteria provided, conflicting classifications (1 of 4 stars). 4 submissions from 4 submitters: Uncertain significance (1); Likely benign (2). 1 of the submissions does not count toward it. Last evaluated 2025-12-22.

Conditions:
TUBGCP6-related disorder. Also called: TUBGCP6-related condition.

Allele frequency attached by ClinVar (database versions not stated): ExAC 0.00003; gnomAD exomes 0.00004; gnomAD 0.00006 and 0.00007; TOPMed 0.00007; 1000 Genomes Project 30x 0.00016.
gnomAD v4.1: 71 of 1,614,178 alleles (0.0044%); highest among the groups gnomAD compares: African/African-American, 0.0093%; no homozygotes.

Submissions (4):

Labcorp Genetics (formerly Invitae), Labcorp
Classification: Likely benign. Last evaluated: 2025-12-22. Review status: criteria provided, single submitter. Criteria: Invitae Variant Classification Sherloc (09022015). Collection method: clinical testing. Allele origin: germline.

Blueprint Genetics
Classification: Likely benign. Last evaluated: 2024-10-11. Review status: criteria provided, single submitter. Criteria: ACMG Guidelines, 2015. Collection method: clinical testing. Allele origin: germline.

GeneDx
Classification: Uncertain significance. Last evaluated: 2022-05-16. Review status: criteria provided, single submitter. Criteria: GeneDx Variant Classification Process June 2021. Collection method: clinical testing. Allele origin: germline. Affected: yes.
Comment: Not observed at significant frequency in large population cohorts (gnomAD); Has not been previously published as pathogenic or benign to our knowledge; In silico analysis, which includes splice predictors and evolutionary conservation, suggests this variant may impact gene splicing. In the absence of RNA/functional studies, the actual effect of this sequence change is unknown.

PreventionGenetics, part of Exact Sciences
Classification: Likely benign for TUBGCP6-related condition. Last evaluated: 2022-12-07. Review status: no assertion criteria provided. Collection method: clinical testing. Allele origin: germline. Not counted in ClinVar's aggregate classification.
Comment: This variant is classified as likely benign based on ACMG/AMP sequence variant interpretation guidelines (Richards et al. 2015 PMID: 25741868, with internal and published modifications).

NM_020461.4(TUBGCP6):c.1719C>T (p.Tyr573=)

Gene: TUBGCP6 (tubulin gamma complex component 6; minus strand). Cytogenetic location: 22q13.33.
Variant type: single nucleotide variant.
Coding change: c.1719C>T on transcript NM_020461.4 (MANE Select); coding-DNA position 1719, C replaced by T.
Protein change: p.Tyr573=; no amino-acid change (tyrosine 573 retained).
Molecular consequence: synonymous variant.
Genome position (GRCh38, 1-based): chr22:50,226,164, G>A on the plus strand (C>T on the coding strand, the complement: TUBGCP6 is on the minus strand). VCF-style: chr22-50226164-G-A. GRCh37 (hg19) VCF-style: chr22-50664593-G-A.
Identifiers: ClinVar variation 1097867 (VCV001097867.14), dbSNP rs201299983, ClinGen allele CA10308531.